The following is an entry in ClinVar:

ClinVar aggregate classification (germline): Likely pathogenic (1 of 4 stars; one submission).

Submission:

Labcorp Genetics (formerly Invitae), Labcorp
Classification: Likely pathogenic. Last evaluated: 2023-11-09. Review status: criteria provided, single submitter. Criteria: Invitae Variant Classification Sherloc (09022015). Collection method: clinical testing. Allele origin: germline.
Comment: This sequence change affects an acceptor splice site in intron 6 of the MED17 gene. It is expected to disrupt RNA splicing. Variants that disrupt the donor or acceptor splice site typically lead to a loss of protein function (PMID: 16199547), and loss-of-function variants in MED17 are known to be pathogenic (PMID: 20950787, 26004231, 30345598). This variant is not present in population databases (gnomAD no frequency). This variant has not been reported in the literature in individuals affected with MED17-related conditions. Algorithms developed to predict the effect of sequence changes on RNA splicing suggest that this variant may disrupt the consensus splice site. In summary, the currently available evidence indicates that the variant is pathogenic, but additional data are needed to prove that conclusively. Therefore, this variant has been classified as Likely Pathogenic.

Literature cited by the submitters: PubMed 16199547; PubMed 20950787; PubMed 26004231; PubMed 30345598.

NM_004268.5(MED17):c.1013-1G>C

Gene: MED17 (mediator complex subunit 17; plus strand). Cytogenetic location: 11q21.
Variant type: single nucleotide variant.
Coding change: c.1013-1G>C on transcript NM_004268.5 (MANE Select); the canonical splice acceptor site of the intron before coding-DNA position 1013, G replaced by C.
Molecular consequence: splice acceptor variant.
Genome position (GRCh38, 1-based): chr11:93,796,409, G>C. VCF-style: chr11-93796409-G-C. GRCh37 (hg19) VCF-style: chr11-93529575-G-C.
Identifiers: ClinVar variation 2800868 (VCV002800868.3), dbSNP rs767023414, ClinGen allele CA382357216.